The following is an entry in ClinVar:

ClinVar aggregate classification (germline): Uncertain significance (1 of 4 stars; one submission).

Submission:

Labcorp Genetics (formerly Invitae), Labcorp
Classification: Uncertain significance. Last evaluated: 2023-05-24. Review status: criteria provided, single submitter. Criteria: Invitae Variant Classification Sherloc (09022015). Collection method: clinical testing. Allele origin: germline.
Comment: In summary, the available evidence is currently insufficient to determine the role of this variant in disease. Therefore, it has been classified as a Variant of Uncertain Significance. Advanced modeling of protein sequence and biophysical properties (such as structural, functional, and spatial information, amino acid conservation, physicochemical variation, residue mobility, and thermodynamic stability) performed at Invitae indicates that this missense variant is not expected to disrupt PAX1 protein function. This variant has not been reported in the literature in individuals affected with PAX1-related conditions. This variant is not present in population databases (gnomAD no frequency). This sequence change replaces serine, which is neutral and polar, with cysteine, which is neutral and slightly polar, at codon 269 of the PAX1 protein (p.Ser269Cys).

NM_001257096.2(PAX1):c.805A>T (p.Ser269Cys)

Gene: PAX1 (paired box 1; plus strand). Cytogenetic location: 20p11.22.
Variant type: single nucleotide variant.
Coding change: c.805A>T on transcript NM_001257096.2 (MANE Select); coding-DNA position 805, A replaced by T.
Protein change: p.Ser269Cys; replaces serine 269 with cysteine.
Molecular consequence: missense variant.
Genome position (GRCh38, 1-based): chr20:21,706,956, A>T. VCF-style: chr20-21706956-A-T. GRCh37 (hg19) VCF-style: chr20-21687594-A-T.
Other names: c.805A>T, p.Ser269Cys (NM_006192.5); short protein forms S269C.
Identifiers: ClinVar variation 2974549 (VCV002974549.3), dbSNP rs781675261, ClinGen allele CA408498753.